The following is an entry in ClinVar:

NM_000038.6(APC):c.8145C>T (p.Thr2715=)

Gene: APC (APC regulator of Wnt signaling pathway; plus strand). Cytogenetic location: 5q22.2.
Variant type: single nucleotide variant.
Coding change: c.8145C>T on transcript NM_000038.6 (MANE Select); coding-DNA position 8145, C replaced by T.
Protein change: p.Thr2715=; no amino-acid change (threonine 2715 retained).
Molecular consequence: synonymous variant.
Genome position (GRCh38, 1-based): chr5:112,843,739, C>T. VCF-style: chr5-112843739-C-T. GRCh37 (hg19) VCF-style: chr5-112179436-C-T.
Other names: c.8145C>T, p.Thr2715= (NM_001127510.3, NM_001354895.2); c.8091C>T, p.Thr2697= (NM_001127511.3); c.8199C>T, p.Thr2733= (NM_001354896.2); c.8175C>T, p.Thr2725= (NM_001354897.2); c.8070C>T, p.Thr2690= (NM_001354898.2); c.8061C>T, p.Thr2687= (NM_001354899.2); c.8022C>T, p.Thr2674= (NM_001354900.2); c.7968C>T, p.Thr2656= (NM_001354901.2); and 5 more.
Identifiers: ClinVar variation 482271 (VCV000482271.24), dbSNP rs1554088935, ClinGen allele CA446211215.

ClinVar aggregate classification (germline): Benign/Likely benign. Review status: criteria provided, multiple submitters, no conflicts (2 of 4 stars). 6 submissions from 6 submitters: Benign (1); Likely benign (5). Last evaluated 2026-01-25.

Conditions:
Hereditary cancer-predisposing syndrome. Also called: Neoplastic Syndromes, Hereditary; Tumor predisposition; Hereditary Cancer Syndrome; Hereditary neoplastic syndrome. Identifiers: Orphanet 140162, MedGen C0027672, MeSH D009386, MONDO:0015356.
Classic or attenuated familial adenomatous polyposis. Identifiers: MedGen CN372698, MONDO:0021057.
Familial adenomatous polyposis 1 (FAP1). Also called: FAMILIAL ADENOMATOUS POLYPOSIS 1, ATTENUATED; POLYPOSIS, ADENOMATOUS INTESTINAL. Identifiers: MedGen C2713442, MONDO:0021056, OMIM 175100. Disease mechanism: loss of function.

Allele frequency attached by ClinVar (database versions not stated): gnomAD exomes below 0.00001; gnomAD 0.00001.
gnomAD v4.1: 4 of 1,613,862 alleles (0.00025%); highest among the groups gnomAD compares: African/African-American, 0.0013%; no homozygotes.

Submissions (6):

Labcorp Genetics (formerly Invitae), Labcorp
Classification: Likely benign for Familial adenomatous polyposis 1. Last evaluated: 2026-01-25. Review status: criteria provided, single submitter. Criteria: Invitae Variant Classification Sherloc (09022015). Collection method: clinical testing. Allele origin: germline.

Quest Diagnostics Nichols Institute San Juan Capistrano
Classification: Likely benign. Last evaluated: 2025-10-08. Review status: criteria provided, single submitter. Criteria: Quest Diagnostics criteria. Collection method: clinical testing. Allele origin: unknown.

All of Us Research Program, National Institutes of Health
Classification: Likely benign for Classic or attenuated familial adenomatous polyposis. Last evaluated: 2024-07-29. Review status: criteria provided, single submitter. Criteria: ACMG Guidelines, 2015. Collection method: clinical testing. Allele origin: germline. Inheritance: Autosomal dominant inheritance. Observed: 7 variant alleles, 7 heterozygotes.
Comment: This study involves interpretation of variants in research participants for the purpose of population health screening. Participant phenotype was not available at the time of variant classification. Additional details can be found in publication PMID: 35346344, PMCID: PMC8962531

Myriad Genetics, Inc.
Classification: Benign for Familial adenomatous polyposis 1. Last evaluated: 2024-04-12. Review status: criteria provided, single submitter. Criteria: Myriad Autosomal Dominant, Autosomal Recessive and X-Linked Classification Criteria (2023). Collection method: clinical testing. Allele origin: unknown.
Comment: This variant is considered benign. This variant is a silent/synonymous amino acid change and it is not expected to impact splicing.

Color Diagnostics, LLC DBA Color Health
Classification: Likely benign for Hereditary cancer-predisposing syndrome. Last evaluated: 2017-11-14. Review status: criteria provided, single submitter. Criteria: ACMG Guidelines, 2015. Collection method: clinical testing. Allele origin: germline.

Ambry Genetics
Classification: Likely benign for Hereditary cancer-predisposing syndrome. Last evaluated: 2015-06-08. Review status: criteria provided, single submitter. Criteria: Ambry Variant Classification Scheme 2023. Collection method: clinical testing. Allele origin: germline.